The following is an entry in ClinVar:

NM_139076.3(ABRAXAS1):c.883C>G (p.His295Asp)

Gene: ABRAXAS1 (abraxas 1, BRCA1 A complex subunit; minus strand). Cytogenetic location: 4q21.23.
Variant type: single nucleotide variant.
Coding change: c.883C>G on transcript NM_139076.3 (MANE Select); coding-DNA position 883, C replaced by G.
Protein change: p.His295Asp; replaces histidine 295 with aspartic acid.
Molecular consequence: missense variant.
Genome position (GRCh38, 1-based): chr4:83,462,816, G>C on the plus strand (C>G on the coding strand, the complement: ABRAXAS1 is on the minus strand). VCF-style: chr4-83462816-G-C. GRCh37 (hg19) VCF-style: chr4-84383969-G-C.
Other names: c.556C>G, p.His186Asp (NM_001345962.2); short protein forms H295D, H186D.
Identifiers: ClinVar variation 3445663 (VCV003445663.1).

ClinVar aggregate classification (germline): Uncertain significance (1 of 4 stars; one submission).

Submission:

Ambry Genetics
Classification: Uncertain significance. Last evaluated: 2024-10-17. Review status: criteria provided, single submitter. Criteria: Ambry Variant Classification Scheme 2023. Collection method: clinical testing. Allele origin: germline.
Comment: The p.H295D variant (also known as c.883C>G), located in coding exon 9 of the FAM175A gene, results from a C to G substitution at nucleotide position 883. The histidine at codon 295 is replaced by aspartic acid, an amino acid with similar properties. This amino acid position is conserved. In addition, this alteration is predicted to be tolerated by in silico analysis. Based on the available evidence, the clinical significance of this variant remains unclear.